The following is an entry in ClinVar:

ClinVar aggregate classification (germline): Benign/Likely benign. Review status: criteria provided, multiple submitters, no conflicts (2 of 4 stars). 4 submissions from 4 submitters: Benign (3); Likely benign (1). Last evaluated 2025-12-08.

Conditions:
Malignant hyperthermia, susceptibility to, 1 (MHS1). Also called: RYR1-Related Malignant Hyperthermia Susceptibility; Anesthesia related hyperthermia; Malignant hyperpyrexia; Fulminating hyperpyrexia; Pharmacogenic myopathy; Malignant hyperthermia suceptibility 1. Identifiers: Orphanet 423, MedGen C2930980, MONDO:0007783, OMIM 145600.
RYR1-related disorder. Also called: RYR1-related disorders; RYR1-related condition. Identifiers: MedGen CN239331.

Allele frequency attached by ClinVar (database versions not stated): TOPMed 0.00011; 1000 Genomes Project 30x 0.00078; 1000 Genomes Project 0.00100; ExAC 0.00238; gnomAD 0.00386.
gnomAD v4.1: 1,833 of 1,599,518 alleles (0.11%); highest among the groups gnomAD compares: Non-Finnish European, 0.0083%; 26 homozygotes.

Submissions (4):

Labcorp Genetics (formerly Invitae), Labcorp
Classification: Benign for RYR1-related disorder. Last evaluated: 2025-12-08. Review status: criteria provided, single submitter. Criteria: Invitae Variant Classification Sherloc (09022015). Collection method: clinical testing. Allele origin: germline.

CeGaT Center for Human Genetics Tuebingen
Classification: Likely benign. Last evaluated: 2024-08-01. Review status: criteria provided, single submitter. Criteria: CeGaT Center For Human Genetics Tuebingen Variant Classification Criteria Version 2. Collection method: clinical testing. Allele origin: germline. Affected: yes. Observed: 1 variant allele.
Comment: RYR1: BS2

All of Us Research Program, National Institutes of Health
Classification: Benign for Malignant hyperthermia, susceptibility to, 1. Last evaluated: 2024-02-05. Review status: criteria provided, single submitter. Criteria: ACMG Guidelines, 2015. Collection method: clinical testing. Allele origin: germline. Inheritance: Autosomal dominant inheritance. Observed: 29 variant alleles, 29 heterozygotes.
Comment: This study involves interpretation of variants in research participants for the purpose of population health screening. Participant phenotype was not available at the time of variant classification. Additional details can be found in publication PMID: 35346344, PMCID: PMC8962531

Color Diagnostics, LLC DBA Color Health
Classification: Benign for Malignant hyperthermia, susceptibility to, 1. Last evaluated: 2022-08-18. Review status: criteria provided, single submitter. Criteria: ACMG Guidelines, 2015. Collection method: clinical testing. Allele origin: germline.

NM_000540.3(RYR1):c.3946C>A (p.Pro1316Thr)

Gene: RYR1 (ryanodine receptor 1; plus strand). Cytogenetic location: 19q13.2.
Variant type: single nucleotide variant.
Coding change: c.3946C>A on transcript NM_000540.3 (MANE Select); coding-DNA position 3946, C replaced by A.
Protein change: p.Pro1316Thr; replaces proline 1316 with threonine.
Molecular consequence: missense variant.
Genome position (GRCh38, 1-based): chr19:38,473,557, C>A. VCF-style: chr19-38473557-C-A. GRCh37 (hg19) VCF-style: chr19-38964197-C-A.
Other names: c.3946C>A, p.Pro1316Thr (NM_001042723.2); short protein forms P1316T.
Identifiers: ClinVar variation 544494 (VCV000544494.30), dbSNP rs200894780, ClinGen allele CA065365.